The following is an entry in ClinVar:

NM_000023.4(SGCA):c.730T>A (p.Trp244Arg)

Gene: SGCA (sarcoglycan alpha; plus strand). Cytogenetic location: 17q21.33.
Variant type: single nucleotide variant.
Coding change: c.730T>A on transcript NM_000023.4 (MANE Select); coding-DNA position 730, T replaced by A.
Protein change: p.Trp244Arg; replaces tryptophan 244 with arginine.
Molecular consequence: missense variant. On other transcripts: non-coding transcript variant (1), intron variant (1).
Genome position (GRCh38, 1-based): chr17:50,169,237, T>A. VCF-style: chr17-50169237-T-A. GRCh37 (hg19) VCF-style: chr17-48246598-T-A.
Other names: c.584+665T>A (NM_001135697.3); short protein forms W244R.
Identifiers: ClinVar variation 2573361 (VCV002573361.1), dbSNP rs2509123355, ClinGen allele CA400181053.

ClinVar aggregate classification (germline): Uncertain significance (1 of 4 stars; one submission).

Submission:

Women's Health and Genetics/Laboratory Corporation of America, LabCorp
Classification: Uncertain significance. Last evaluated: 2023-06-19. Review status: criteria provided, single submitter. Criteria: LabCorp Variant Classification Summary - May 2015. Collection method: clinical testing. Allele origin: germline.
Comment: Variant summary: SGCA c.730T>A (p.Trp244Arg) results in a non-conservative amino acid change in the encoded protein sequence. Five of five in-silico tools predict a damaging effect of the variant on protein function. The variant was absent in 250842 control chromosomes. c.730T>A has been reported in the literature in at least one individual affected with Limb-Girdle Muscular Dystrophy, Autosomal Recessive (e.g., Fattahi_2017). These data indicate that the variant may be associated with disease. To our knowledge, no experimental evidence demonstrating an impact on protein function has been reported. The following publication has been ascertained in the context of this evaluation (PMID: 27234031). No submitters have cited clinical-significance assessments for this variant to ClinVar after 2014. Based on the evidence outlined above, the variant was classified as VUS-possibly pathogenic.

Literature cited by the submitters: PubMed 27234031.